The following is an entry in ClinVar:

NM_004329.3(BMPR1A):c.1474-2A>G

Gene: BMPR1A (bone morphogenetic protein receptor type 1A; plus strand). Cytogenetic location: 10q23.2.
Variant type: single nucleotide variant.
Coding change: c.1474-2A>G on transcript NM_004329.3 (MANE Select); the canonical splice acceptor site of the intron before coding-DNA position 1474, A replaced by G.
Molecular consequence: splice acceptor variant.
Genome position (GRCh38, 1-based): chr10:86,923,592, A>G. VCF-style: chr10-86923592-A-G. GRCh37 (hg19) VCF-style: chr10-88683349-A-G.
Other names: c.1474-2A>G (NM_001406562.1, NM_001406568.1, NM_001406567.1 and 19 more transcripts); c.1390-2A>G (NM_001406584.1, NM_001406588.1, NM_001406587.1 and 2 more transcripts); c.1522-2A>G (NM_001406560.1); c.1549-2A>G (NM_001406559.1); c.1468-2A>G (NM_001406583.1); c.1132-2A>G (NM_001406589.1).
Identifiers: ClinVar variation 140971 (VCV000140971.5), dbSNP rs587781407, ClinGen allele CA164082.

ClinVar aggregate classification (germline): Likely pathogenic (1 of 4 stars; one submission).

Conditions:
Hereditary cancer-predisposing syndrome. Also called: Neoplastic Syndromes, Hereditary; Tumor predisposition; Hereditary Cancer Syndrome; Hereditary neoplastic syndrome. Identifiers: Orphanet 140162, MedGen C0027672, MeSH D009386, MONDO:0015356.

Submission:

Ambry Genetics
Classification: Likely pathogenic for Hereditary cancer-predisposing syndrome. Last evaluated: 2022-01-21. Review status: criteria provided, single submitter. Criteria: Ambry Variant Classification Scheme 2023. Collection method: clinical testing. Allele origin: germline.
Comment: The c.1474-2A>G intronic variant results from an A to G substitution two nucleotides upstream from coding exon 11 in the BMPR1A gene. This alteration occurs at the 3' terminus of the BMPR1A gene, is not expected to trigger nonsense-mediated mRNA decay, and only impacts the last 41 AA of the protein. The exact functional effect of this alteration is unknown; however, the impacted region is critical for protein function (Ambry internal data). This variant is considered to be rare based on population cohorts in the Genome Aggregation Database (gnomAD). This nucleotide position is highly conserved in available vertebrate species. In silico splice site analysis predicts that this alteration will weaken the native splice acceptor site; however, direct evidence is insufficient at this time (Ambry internal data). Based on the majority of available evidence to date, this variant is likely to be pathogenic.